The following is an entry in ClinVar:

NM_182961.4(SYNE1):c.5282A>G (p.Gln1761Arg)

Gene: SYNE1 (spectrin repeat containing nuclear envelope protein 1; minus strand). Cytogenetic location: 6q25.2.
Variant type: single nucleotide variant.
Coding change: c.5282A>G on transcript NM_182961.4 (MANE Select); coding-DNA position 5282, A replaced by G.
Protein change: p.Gln1761Arg; replaces glutamine 1761 with arginine.
Molecular consequence: missense variant.
Genome position (GRCh38, 1-based): chr6:152,419,708, T>C on the plus strand (A>G on the coding strand, the complement: SYNE1 is on the minus strand). VCF-style: chr6-152419708-T-C. GRCh37 (hg19) VCF-style: chr6-152740843-T-C.
Other names: c.5303A>G, p.Gln1768Arg (NM_033071.5); short protein forms Q1761R, Q1768R.
Identifiers: ClinVar variation 448604 (VCV000448604.21), dbSNP rs146244669, ClinGen allele CA4058318.
Genomic context (GRCh38, chr6:152,419,708, plus strand): 5'-ATCCAGACAGAAAAGGAAAGCAGCAGCTCATCAAATTGCTGGTGTTCAGCAACCACAGAC[T>C]GAAGAAAATTAATCCTATGTAGACAAAGTATTAAAGTTAAAATGTCCCATAAGTAAACAG-3'
Protein context (NP_892006.3, residues 1751-1771): QIINKRINFL[Gln1761Arg]SVVAEHQQFD

ClinVar aggregate classification (germline): Conflicting classifications of pathogenicity. Review status: criteria provided, conflicting classifications (1 of 4 stars). 6 submissions from 6 submitters: Uncertain significance (4); Likely benign (1). 1 of the submissions does not count toward it. Last evaluated 2025-02-20.

Conditions:
SYNE1-related disorder. Also called: SYNE1-related disorders; SYNE1-related disease; SYNE1-related condition.
Emery-Dreifuss muscular dystrophy 4, autosomal dominant (EDMD4). Also called: EMERY-DREIFUSS MUSCULAR DYSTROPHY 4 WITH VARIABLE FEATURES. Identifiers: Orphanet 261, MedGen C2751807, MONDO:0013071, OMIM 612998.
Autosomal recessive ataxia, Beauce type. Also called: Spinocerebellar ataxia, autosomal recessive 8; ATAXIA, RECESSIVE, OF BEAUCE; SYNE1-Related Autosomal Recessive Cerebellar Ataxia; SYNE1 Deficiency. Identifiers: Orphanet 88644, MedGen C1853116, MONDO:0012549, OMIM 610743.

Allele frequency attached by ClinVar (database versions not stated): gnomAD exomes 0.00004 and 0.00014; ExAC 0.00016; 1000 Genomes Project 0.00020; TOPMed 0.00043; ESP Exome Variant Server 0.00046; 1000 Genomes Project 30x 0.00047; gnomAD 0.00054 and 0.00060.
gnomAD v4.1: 138 of 1,614,010 alleles (0.0086%); highest among the groups gnomAD compares: African/African-American, 0.17%; no homozygotes.

Submissions (6):

Labcorp Genetics (formerly Invitae), Labcorp
Classification: Likely benign for Emery-Dreifuss muscular dystrophy 4, autosomal dominant; Autosomal recessive ataxia, Beauce type. Last evaluated: 2025-02-20. Review status: criteria provided, single submitter. Criteria: Invitae Variant Classification Sherloc (09022015). Collection method: clinical testing. Allele origin: germline.

Revvity Omics, Revvity
Classification: Uncertain significance. Last evaluated: 2025-01-03. Review status: criteria provided, single submitter. Criteria: ACMG Guidelines, 2015. Collection method: clinical testing. Allele origin: germline.

GeneDx
Classification: Uncertain significance. Last evaluated: 2025-01-02. Review status: criteria provided, single submitter. Criteria: GeneDx Variant Classification Process June 2021. Collection method: clinical testing. Allele origin: germline. Affected: yes.
Comment: In silico analysis indicates that this missense variant does not alter protein structure/function; Has not been previously published as pathogenic or benign to our knowledge

Eurofins Ntd Llc (ga)
Classification: Uncertain significance. Last evaluated: 2017-09-26. Review status: criteria provided, single submitter. Criteria: EGL Classification Definitions 2015. Collection method: clinical testing. Allele origin: germline. Observed: 3 variant alleles, 3 heterozygotes.

Athena Diagnostics
Classification: Uncertain significance. Last evaluated: 2016-12-28. Review status: criteria provided, single submitter. Criteria: Athena Diagnostics Criteria. Collection method: clinical testing. Allele origin: germline.

PreventionGenetics, part of Exact Sciences
Classification: Likely benign for SYNE1-related condition. Last evaluated: 2022-04-21. Review status: no assertion criteria provided. Collection method: clinical testing. Allele origin: germline. Not counted in ClinVar's aggregate classification.
Comment: This variant is classified as likely benign based on ACMG/AMP sequence variant interpretation guidelines (Richards et al. 2015 PMID: 25741868, with internal and published modifications).